The following is an entry in ClinVar:

NM_000059.4(BRCA2):c.3358G>C (p.Glu1120Gln)

Gene: BRCA2 (BRCA2 DNA repair associated; plus strand). Cytogenetic location: 13q13.1.
Variant type: single nucleotide variant.
Coding change: c.3358G>C on transcript NM_000059.4 (MANE Select); coding-DNA position 3358, G replaced by C.
Protein change: p.Glu1120Gln; replaces glutamic acid 1120 with glutamine.
Molecular consequence: missense variant.
Genome position (GRCh38, 1-based): chr13:32,337,713, G>C. VCF-style: chr13-32337713-G-C. GRCh37 (hg19) VCF-style: chr13-32911850-G-C.
Other names: short protein forms E1120Q.
Identifiers: ClinVar variation 133733 (VCV000133733.20), dbSNP rs587778124, ClinGen allele CA017857.

ClinVar aggregate classification (germline): Conflicting classifications of pathogenicity. Review status: criteria provided, conflicting classifications (1 of 4 stars). 6 submissions from 6 submitters: Uncertain significance (3); Likely benign (2). 1 of the submissions does not count toward it. Last evaluated 2026-01-04.

Conditions:
Hereditary cancer-predisposing syndrome. Also called: Tumor predisposition; Hereditary neoplastic syndrome; Neoplastic Syndromes, Hereditary; Hereditary Cancer Syndrome. Identifiers: Orphanet 140162, MedGen C0027672, MeSH D009386, MONDO:0015356.
Hereditary breast ovarian cancer syndrome. Also called: Hereditary breast and ovarian cancer; Breast and ovarian cancer; Hereditary breast and ovarian cancer syndrome (HBOC); Hereditary breast and/or ovarian cancer syndrome; Hereditary breast and ovarian cancer syndrome; BRCA1- and BRCA2-Associated Hereditary Breast and Ovarian Cancer. Identifiers: Orphanet 145, MedGen C0677776, MeSH D061325, MONDO:0003582. Disease mechanism: loss of function.

Allele frequency attached by ClinVar (database versions not stated): ExAC 0.00002; gnomAD exomes 0.00002.
gnomAD v4.1: 10 of 1,612,870 alleles (0.00062%); highest among the groups gnomAD compares: South Asian, 0.011%; no homozygotes.

Submissions (6):

Labcorp Genetics (formerly Invitae), Labcorp
Classification: Uncertain significance for Hereditary breast ovarian cancer syndrome. Last evaluated: 2026-01-04. Review status: criteria provided, single submitter. Criteria: Invitae Variant Classification Sherloc (09022015). Collection method: clinical testing. Allele origin: germline.
Comment: This sequence change replaces glutamic acid, which is acidic and polar, with glutamine, which is neutral and polar, at codon 1120 of the BRCA2 protein (p.Glu1120Gln). This variant is present in population databases (rs587778124, gnomAD 0.01%). This variant has not been reported in the literature in individuals affected with BRCA2-related conditions. ClinVar contains an entry for this variant (Variation ID: 133733). Invitae Evidence Modeling of protein sequence and biophysical properties (such as structural, functional, and spatial information, amino acid conservation, physicochemical variation, residue mobility, and thermodynamic stability) indicates that this missense variant is not expected to disrupt BRCA2 protein function with a negative predictive value of 95%. In summary, the available evidence is currently insufficient to determine the role of this variant in disease. Therefore, it has been classified as a Variant of Uncertain Significance.

Color Diagnostics, LLC DBA Color Health
Classification: Likely benign for Hereditary cancer-predisposing syndrome. Last evaluated: 2024-10-29. Review status: criteria provided, single submitter. Criteria: ACMG Guidelines, 2015. Collection method: clinical testing. Allele origin: germline.

Ambry Genetics
Classification: Uncertain significance for Hereditary cancer-predisposing syndrome. Last evaluated: 2024-09-12. Review status: criteria provided, single submitter. Criteria: Ambry Variant Classification Scheme 2023. Collection method: clinical testing. Allele origin: germline.
Comment: The p.E1120Q variant (also known as c.3358G>C), located in coding exon 10 of the BRCA2 gene, results from a G to C substitution at nucleotide position 3358. The glutamic acid at codon 1120 is replaced by glutamine, an amino acid with highly similar properties. This amino acid position is well conserved in available vertebrate species. In addition, this alteration is predicted to be tolerated by in silico analysis. Since supporting evidence is limited at this time, the clinical significance of this alteration remains unclear.

Quest Diagnostics Nichols Institute San Juan Capistrano
Classification: Uncertain significance. Last evaluated: 2023-07-18. Review status: criteria provided, single submitter. Criteria: Quest Diagnostics criteria. Collection method: clinical testing. Allele origin: unknown.
Comment: In the published literature, this variant has been reported in a ancestrally diverse cohort of individuals unaffected by cancer (PMID: 24728327 (2014)). The frequency of this variant in the general population, 0.00013 (4/30300 chromosomes (Genome Aggregation Database)), is uninformative in the assessment of its pathogenicity. Analysis of this variant using bioinformatics tools for the prediction of the effect of amino acid changes on protein structure and function yielded conflicting predictions that this variant is benign or damaging. Based on the available information, we are unable to determine the clinical significance of this variant.

University of Washington Department of Laboratory Medicine, University of Washington
Classification: Likely benign for Hereditary cancer-predisposing syndrome. Last evaluated: 2023-03-23. Review status: criteria provided, single submitter. Criteria: Dines et al. (Genet Med. 2020). Collection method: curation. Allele origin: germline.
Comment: Missense variant in a coldspot region where missense variants are very unlikely to be pathogenic (PMID:31911673).

BRCA2 exon 11 coldspot. Reclassification based on statistical prior probability.

ITMI
No classification provided. Condition: AllHighlyPenetrant. Last evaluated: 2013-09-19. Review status: no classification provided. Collection method: reference population. Allele origin: germline. Not counted in ClinVar's aggregate classification.
Comment: Please see associated publication for description of ethnicities

Literature cited by the submitters: PubMed 31911673 (cited by Quest Diagnostics Nichols Institute San Juan Capistrano); PubMed 24728327 (cited by Quest Diagnostics Nichols Institute San Juan Capistrano and ITMI).